The following is an entry in ClinVar:

ClinVar aggregate classification (germline): Conflicting classifications of pathogenicity. Review status: criteria provided, conflicting classifications (1 of 4 stars). 2 submissions from 2 submitters: Uncertain significance (1); Likely benign (1). Last evaluated 2024-04-29.

Conditions:
Cardiovascular phenotype. Identifiers: MedGen CN230736.
Dilated cardiomyopathy 1DD (CMD1DD). Identifiers: Orphanet 154, MedGen C2750995, MONDO:0013168, OMIM 613172.

Allele frequency attached by ClinVar (database versions not stated): gnomAD exomes 0.00001.
gnomAD v4.1: 3 of 1,551,268 alleles (0.00019%); highest among the groups gnomAD compares: Admixed American, 0.0059%; no homozygotes.

Submissions (2):

Labcorp Genetics (formerly Invitae), Labcorp
Classification: Likely benign for Dilated cardiomyopathy 1DD. Last evaluated: 2024-04-29. Review status: criteria provided, single submitter. Criteria: Invitae Variant Classification Sherloc (09022015). Collection method: clinical testing. Allele origin: germline.

Ambry Genetics
Classification: Uncertain significance for Cardiovascular phenotype. Last evaluated: 2021-09-03. Review status: criteria provided, single submitter. Criteria: Ambry Variant Classification Scheme 2023. Collection method: clinical testing. Allele origin: germline.
Comment: The p.A473T variant (also known as c.1417G>A), located in coding exon 4 of the RBM20 gene, results from a G to A substitution at nucleotide position 1417. The alanine at codon 473 is replaced by threonine, an amino acid with similar properties. This amino acid position is conserved. In addition, this alteration is predicted to be tolerated by in silico analysis. Since supporting evidence is limited at this time, the clinical significance of this alteration remains unclear.

NM_001134363.3(RBM20):c.1417G>A (p.Ala473Thr)

Gene: RBM20 (RNA binding motif protein 20; plus strand). Cytogenetic location: 10q25.2.
Variant type: single nucleotide variant.
Coding change: c.1417G>A on transcript NM_001134363.3 (MANE Select); coding-DNA position 1417, G replaced by A.
Protein change: p.Ala473Thr; replaces alanine 473 with threonine.
Molecular consequence: missense variant.
Genome position (GRCh38, 1-based): chr10:110,784,420, G>A. VCF-style: chr10-110784420-G-A. GRCh37 (hg19) VCF-style: chr10-112544178-G-A.
Other names: short protein forms A473T.
Identifiers: ClinVar variation 1772164 (VCV001772164.5), dbSNP rs1289132704, ClinGen allele CA378388098.